The following is an entry in ClinVar:

ClinVar aggregate classification (germline): Pathogenic. Review status: reviewed by expert panel (3 of 4 stars). 5 submissions from 5 submitters: Pathogenic (1). 4 of the submissions do not count toward it. Last evaluated 2016-09-08.

Conditions:
Hereditary cancer-predisposing syndrome. Also called: Neoplastic Syndromes, Hereditary; Tumor predisposition; Hereditary neoplastic syndrome; Hereditary Cancer Syndrome. Identifiers: Orphanet 140162, MedGen C0027672, MeSH D009386, MONDO:0015356.
Breast-ovarian cancer, familial, susceptibility to, 2 (BROVCA2). Also called: BRCA2 Hereditary Breast and Ovarian Cancer. Identifiers: Orphanet 145, MedGen C2675520, MONDO:0012933, OMIM 612555. Disease mechanism: loss of function.

Submissions (5):

Evidence-based Network for the Interpretation of Germline Mutant Alleles (ENIGMA)
Classification: Pathogenic for Breast-ovarian cancer, familial, susceptibility to, 2. Last evaluated: 2016-09-08. Review status: reviewed by expert panel. Criteria: ENIGMA BRCA1/2 Classification Criteria (2015). Collection method: curation. Allele origin: germline.
Comment: Variant allele predicted to encode a truncated non-functional protein.

Myriad Genetics, Inc.
Classification: Pathogenic for Breast-ovarian cancer, familial, susceptibility to, 2. Last evaluated: 2024-12-23. Review status: criteria provided, single submitter. Criteria: Myriad Autosomal Dominant, Autosomal Recessive and X-Linked Classification Criteria (2023). Collection method: clinical testing. Allele origin: unknown. Not counted in ClinVar's aggregate classification.
Comment: This variant is considered pathogenic. This variant creates a frameshift predicted to result in premature protein truncation.

Color Diagnostics, LLC DBA Color Health
Classification: Pathogenic for Hereditary cancer-predisposing syndrome. Last evaluated: 2021-08-31. Review status: criteria provided, single submitter. Criteria: ACMG Guidelines, 2015. Collection method: clinical testing. Allele origin: germline. Not counted in ClinVar's aggregate classification.
Comment: This variant deletes 1 nucleotide in exon 11 of the BRCA2 gene, creating a frameshift and premature translation stop signal. This variant is expected to result in an absent or non-functional protein product. To our knowledge, functional studies have not been reported for this variant. This variant has been reported in an individual affected with breast cancer (PMID: 18431501). This variant has not been identified in the general population by the Genome Aggregation Database (gnomAD). Loss of BRCA2 function is a known mechanism of disease. Based on the available evidence, this variant is classified as Pathogenic.

Consortium of Investigators of Modifiers of BRCA1/2 (CIMBA), c/o University of Cambridge
Classification: Pathogenic for Breast-ovarian cancer, familial, susceptibility to, 2. Last evaluated: 2015-10-02. Review status: criteria provided, single submitter. Criteria: CIMBA Mutation Classification guidelines May 2016. Collection method: clinical testing. Allele origin: germline. Not counted in ClinVar's aggregate classification.

Breast Cancer Information Core (BIC) (BRCA2)
Classification: Pathogenic for Breast-ovarian cancer, familial 2. Last evaluated: 2010-09-18. Review status: no assertion criteria provided. Collection method: clinical testing. Allele origin: germline. Affected: yes. Observed: 1 variant allele. Not counted in ClinVar's aggregate classification.

Literature cited by the submitters: PubMed 18431501 (cited by Color Diagnostics, LLC DBA Color Health).

NM_000059.4(BRCA2):c.6673del (p.Thr2225fs)

Gene: BRCA2 (BRCA2 DNA repair associated; plus strand). Cytogenetic location: 13q13.1.
Variant type: Deletion.
Coding change: c.6673del on transcript NM_000059.4 (MANE Select); coding-DNA position 6673, one base deleted (A; older notation c.6673delA).
Protein change: p.Thr2225fs; shifts the reading frame from threonine 2225.
Molecular consequence: frameshift variant.
Genome position (GRCh38, 1-based): chr13:32,341,028, A deleted; the last of 3 consecutive A bases (chr13:32,341,026-32,341,028); deleting any one gives the same sequence. VCF-style (leftmost placement, unchanged base first): chr13-32341025-GA-G. GRCh37 (hg19) VCF-style: chr13-32915162-GA-G.
Other names: 6901delA; c.6673delA (NM_000059.3).
Identifiers: ClinVar variation 52152 (VCV000052152.8), dbSNP rs276174875, ClinGen allele CA024273.